The following is an entry in ClinVar:

ClinVar aggregate classification (germline): Likely benign (0 of 4 stars; one submission).

Conditions:
ROBO3-related disorder. Also called: ROBO3-related condition.

Allele frequency attached by ClinVar (database versions not stated): gnomAD 0.00001; gnomAD exomes 0.00001.
gnomAD v4.1: 23 of 1,613,572 alleles (0.0014%); highest among the groups gnomAD compares: South Asian, 0.011%; 1 homozygote.

Submission:

PreventionGenetics, part of Exact Sciences
Classification: Likely benign for ROBO3-related condition. Last evaluated: 2024-02-15. Review status: no assertion criteria provided. Collection method: clinical testing. Allele origin: germline.
Comment: This variant is classified as likely benign based on ACMG/AMP sequence variant interpretation guidelines (Richards et al. 2015 PMID: 25741868, with internal and published modifications).

NM_022370.4(ROBO3):c.906-3C>T

Gene: ROBO3 (roundabout guidance receptor 3; plus strand). Cytogenetic location: 11q24.2.
Variant type: single nucleotide variant.
Coding change: c.906-3C>T on transcript NM_022370.4 (MANE Select); 3 bases into the intron before coding-DNA position 906, C replaced by T.
Molecular consequence: intron variant.
Genome position (GRCh38, 1-based): chr11:124,870,598, C>T. VCF-style: chr11-124870598-C-T. GRCh37 (hg19) VCF-style: chr11-124740494-C-T.
Identifiers: ClinVar variation 3036923 (VCV003036923.2), dbSNP rs1487655672, ClinGen allele CA602298233.